The following is an entry in ClinVar:

ClinVar aggregate classification (germline): Benign/Likely benign. Review status: criteria provided, multiple submitters, no conflicts (2 of 4 stars). 3 submissions from 3 submitters: Benign (1); Likely benign (2). Last evaluated 2026-08-01.

Conditions:
Autosomal dominant polycystic kidney disease. Identifiers: Orphanet 730, MedGen C0085413, MONDO:0004691.

Allele frequency attached by ClinVar (database versions not stated): TOPMed 0.00001.
gnomAD v4.1: 49 of 1,604,336 alleles (0.0031%); highest among the groups gnomAD compares: Admixed American, 0.01%; no homozygotes.

Submissions (3):

CeGaT Center for Human Genetics Tuebingen
Classification: Likely benign. Last evaluated: 2026-08-01. Review status: criteria provided, single submitter. Criteria: CeGaT Center For Human Genetics Tuebingen Variant Classification Criteria Version 2. Collection method: clinical testing. Allele origin: germline. Affected: yes. Observed: 1 variant allele.
Comment: PKD1: BP4, BP7

Molecular Genetics of Inherited Kidney Disorders Laboratory, Garvan Institute of Medical Research
Classification: Benign for Autosomal dominant polycystic kidney disease. Last evaluated: 2019-01-01. Review status: criteria provided, single submitter. Criteria: ACMG Guidelines, 2015. Collection method: research. Allele origin: germline. Affected: yes.

Breakthrough Genomics
Classification: Likely benign. Review status: criteria provided, single submitter. Criteria: ACMG Guidelines, 2015. Collection method: not provided. Allele origin: germline. Inheritance: Autosomal dominant inheritance. Affected: yes.

NM_001009944.3(PKD1):c.7734C>T (p.Asn2578=)

Gene: PKD1 (polycystin 1, transient receptor potential channel interacting; minus strand). Cytogenetic location: 16p13.3.
Variant type: single nucleotide variant.
Coding change: c.7734C>T on transcript NM_001009944.3 (MANE Select); coding-DNA position 7734, C replaced by T.
Protein change: p.Asn2578=; no amino-acid change (asparagine 2578 retained).
Molecular consequence: synonymous variant.
Genome position (GRCh38, 1-based): chr16:2,105,994, G>A on the plus strand (C>T on the coding strand, the complement: PKD1 is on the minus strand). VCF-style: chr16-2105994-G-A. GRCh37 (hg19) VCF-style: chr16-2155995-G-A.
Other names: c.7734C>T, p.Asn2578= (NM_000296.4).
Identifiers: ClinVar variation 976829 (VCV000976829.3), dbSNP rs776513110, ClinGen allele CA7830936.